The following is an entry in ClinVar:

ClinVar aggregate classification (germline): Likely benign. Review status: criteria provided, multiple submitters, no conflicts (2 of 4 stars). 3 submissions from 3 submitters: Likely benign (3). Last evaluated 2026-01-01.

Conditions:
Angelman syndrome (AS). Also called: HAPPY PUPPET SYNDROME. Identifiers: Orphanet 72, MedGen C0162635, MONDO:0007113, OMIM 105830. Disease mechanism: loss of function. Inheritance: AS is caused by disruption of maternally imprinted UBE3A located within the 15q11.2-q13 Angelman syndrome/Prader-Willi syndrome (AS/PWS) region., imprinting disorder.

Allele frequency attached by ClinVar (database versions not stated): gnomAD 0.00001; TOPMed 0.00001.
gnomAD v4.1: 4 of 1,614,018 alleles (0.00025%); highest among the groups gnomAD compares: South Asian, 0.0011%; no homozygotes.

Submissions (3):

CeGaT Center for Human Genetics Tuebingen
Classification: Likely benign. Last evaluated: 2026-01-01. Review status: criteria provided, single submitter. Criteria: CeGaT Center For Human Genetics Tuebingen Variant Classification Criteria Version 2. Collection method: clinical testing. Allele origin: germline. Affected: yes. Observed: 1 variant allele.
Comment: UBE3A: BP4, BP7

Labcorp Genetics (formerly Invitae), Labcorp
Classification: Likely benign for Angelman syndrome. Last evaluated: 2025-08-18. Review status: criteria provided, single submitter. Criteria: Invitae Variant Classification Sherloc (09022015). Collection method: clinical testing. Allele origin: germline.

GeneDx
Classification: Likely benign. Last evaluated: 2017-02-20. Review status: criteria provided, single submitter. Criteria: GeneDx Variant Classification (06012015). Collection method: clinical testing. Allele origin: germline. Affected: yes.
Comment: This variant is considered likely benign or benign based on one or more of the following criteria: it is a conservative change, it occurs at a poorly conserved position in the protein, it is predicted to be benign by multiple in silico algorithms, and/or has population frequency not consistent with disease.

NM_130839.5(UBE3A):c.507A>G (p.Gln169=)

Genes: SNHG14 (small nucleolar RNA host gene 14; plus strand), UBE3A (ubiquitin protein ligase E3A; minus strand). Cytogenetic location: 15q11.2.
Variant type: single nucleotide variant.
Coding change: c.507A>G on transcript NM_130839.5 (MANE Select); coding-DNA position 507, A replaced by G.
Protein change: p.Gln169=; no amino-acid change (glutamine 169 retained).
Molecular consequence: synonymous variant. On other transcripts: non-coding transcript variant (1), intron variant (2).
Genome position (GRCh38, 1-based): chr15:25,371,667, T>C on the plus strand (A>G on the coding strand, the complement: UBE3A is on the minus strand). VCF-style: chr15-25371667-T-C. GRCh37 (hg19) VCF-style: chr15-25616814-T-C.
Other names: c.516A>G, p.Gln172= (NM_000462.5); c.507A>G, p.Gln169= (NM_001354505.1, NM_001354538.2, NM_001354545.2); c.447A>G, p.Gln149= (NM_001354506.2, NM_001354507.2, NM_001354508.2 and 17 more transcripts); c.330A>G, p.Gln110= (NM_001354546.2); c.301+3798A>G (NM_001354551.2); c.361+3798A>G (NM_001354550.2).
Identifiers: ClinVar variation 507495 (VCV000507495.13), dbSNP rs1555401033, ClinGen allele CA489232608.
Genomic context (GRCh38, chr15:25,371,667, plus strand): 5'-TTCATCTTCATCTTTGTCTTCATCTTTTGCTTGAAGAGATTTCAGTTCTTCCTTGGTGTG[T>C]TGTTTAACTTTCCGGAAGCTCTGTACCAATGCCTCAGCACTAGAAAAAACTCTTCCAATA-3'
Protein context (NP_570854.1, residues 159-179): ALVQSFRKVK[Gln169=]HTKEELKSLQ